The following is an entry in ClinVar:

NM_000081.4(LYST):c.10565G>A (p.Gly3522Asp)

Gene: LYST (lysosomal trafficking regulator; minus strand). Cytogenetic location: 1q42.3.
Variant type: single nucleotide variant.
Coding change: c.10565G>A on transcript NM_000081.4 (MANE Select); coding-DNA position 10565, G replaced by A.
Protein change: p.Gly3522Asp; replaces glycine 3522 with aspartic acid.
Molecular consequence: missense variant.
Genome position (GRCh38, 1-based): chr1:235,693,486, C>T on the plus strand (G>A on the coding strand, the complement: LYST is on the minus strand). VCF-style: chr1-235693486-C-T. GRCh37 (hg19) VCF-style: chr1-235856786-C-T.
Other names: c.10565G>A, p.Gly3522Asp (NM_001301365.1); short protein forms G3522D.
Identifiers: ClinVar variation 1059080 (VCV001059080.3), dbSNP rs143673470, ClinGen allele CA1465328.

ClinVar aggregate classification (germline): Uncertain significance (1 of 4 stars; one submission).

Conditions:
Chédiak-Higashi syndrome (CHS). Also called: Chediak-Higashi Syndrome. Identifiers: Orphanet 167, MedGen C0007965, MONDO:0008963, OMIM 214500.

Allele frequency attached by ClinVar (database versions not stated): gnomAD exomes below 0.00001; ExAC 0.00001; ESP Exome Variant Server 0.00008.
gnomAD v4.1: 2 of 1,614,026 alleles (0.00012%); highest among the groups gnomAD compares: East Asian, 0.0022%; no homozygotes.

Submission:

Labcorp Genetics (formerly Invitae), Labcorp
Classification: Uncertain significance for Chédiak-Higashi syndrome. Last evaluated: 2020-07-13. Review status: criteria provided, single submitter. Criteria: Invitae Variant Classification Sherloc (09022015). Collection method: clinical testing. Allele origin: germline.
Comment: Algorithms developed to predict the effect of sequence changes on RNA splicing suggest that this variant may disrupt the consensus splice site, but this prediction has not been confirmed by published transcriptional studies. In summary, the available evidence is currently insufficient to determine the role of this variant in disease. Therefore, it has been classified as a Variant of Uncertain Significance. This sequence change replaces glycine with aspartic acid at codon 3522 of the LYST protein (p.Gly3522Asp). The glycine residue is moderately conserved and there is a moderate physicochemical difference between glycine and aspartic acid. This variant is present in population databases (rs143673470, ExAC 0.01%). This variant has not been reported in the literature in individuals with LYST-related conditions. Algorithms developed to predict the effect of missense changes on protein structure and function (SIFT, PolyPhen-2, Align-GVGD) all suggest that this variant is likely to be tolerated, but these predictions have not been confirmed by published functional studies and their clinical significance is uncertain.